The following is an entry in ClinVar:

NM_001130438.3(SPTAN1):c.3627+201G>A

Gene: SPTAN1 (spectrin alpha, non-erythrocytic 1; plus strand). Cytogenetic location: 9q34.11.
Variant type: single nucleotide variant.
Coding change: c.3627+201G>A on transcript NM_001130438.3 (MANE Select); 201 bases into the intron after coding-DNA position 3627, G replaced by A.
Molecular consequence: intron variant.
Genome position (GRCh38, 1-based): chr9:128,603,791, G>A. VCF-style: chr9-128603791-G-A. GRCh37 (hg19) VCF-style: chr9-131366070-G-A.
Other names: c.3627+201G>A (NM_001363759.2, NM_003127.4); c.3567+201G>A (NM_001363765.2, NM_001195532.2).
Identifiers: ClinVar variation 670576 (VCV000670576.1), dbSNP rs4837289, ClinGen allele CA13020763.

ClinVar aggregate classification (germline): Benign (1 of 4 stars; one submission).

Allele frequency attached by ClinVar (database versions not stated): 1000 Genomes Project 30x 0.60806; 1000 Genomes Project 0.61422; TOPMed 0.70391; gnomAD 0.71855 and 0.72048.
gnomAD v4.1: 109,972 of 152,192 alleles (72%); highest among the groups gnomAD compares: Non-Finnish European, 90%; 43,636 homozygotes.

Submission:

GeneDx
Classification: Benign. Last evaluated: 2018-06-14. Review status: criteria provided, single submitter. Criteria: GeneDx Variant Classification (06012015). Collection method: clinical testing. Allele origin: germline. Affected: yes.
Comment: This variant is considered likely benign or benign based on one or more of the following criteria: it is a conservative change, it occurs at a poorly conserved position in the protein, it is predicted to be benign by multiple in silico algorithms, and/or has population frequency not consistent with disease.